The following is an entry in ClinVar:

ClinVar aggregate classification (germline): Uncertain significance (1 of 4 stars; one submission).

Conditions:
Epidermodysplasia verruciformis. Identifiers: Orphanet 302, MedGen C0014522, MONDO:0009176.

Submission:

Labcorp Genetics (formerly Invitae), Labcorp
Classification: Uncertain significance for Epidermodysplasia verruciformis. Last evaluated: 2022-03-19. Review status: criteria provided, single submitter. Criteria: Invitae Variant Classification Sherloc (09022015). Collection method: clinical testing. Allele origin: germline.
Comment: This variant is not present in population databases (gnomAD no frequency). This sequence change replaces tryptophan, which is neutral and slightly polar, with arginine, which is basic and polar, at codon 91 of the TMC8 protein (p.Trp91Arg). This variant has not been reported in the literature in individuals affected with TMC8-related conditions. Algorithms developed to predict the effect of missense changes on protein structure and function are either unavailable or do not agree on the potential impact of this missense change (SIFT: "Deleterious"; PolyPhen-2: "Probably Damaging"; Align-GVGD: "Class C0"). Algorithms developed to predict the effect of sequence changes on RNA splicing suggest that this variant may create or strengthen a splice site. In summary, the available evidence is currently insufficient to determine the role of this variant in disease. Therefore, it has been classified as a Variant of Uncertain Significance.

NM_152468.5(TMC8):c.271T>C (p.Trp91Arg)

Genes: TMC6 (transmembrane channel like 6; minus strand), TMC8 (transmembrane channel like 8; plus strand). Cytogenetic location: 17q25.3.
Variant type: single nucleotide variant.
Coding change: c.271T>C on transcript NM_152468.5 (MANE Select); coding-DNA position 271, T replaced by C.
Protein change: p.Trp91Arg; replaces tryptophan 91 with arginine.
Molecular consequence: missense variant. On other transcripts: intron variant (1).
Genome position (GRCh38, 1-based): chr17:78,132,003, T>C. VCF-style: chr17-78132003-T-C. GRCh37 (hg19) VCF-style: chr17-76128084-T-C.
Other names: c.-75+338A>G (NM_007267.7); short protein forms W91R.
Identifiers: ClinVar variation 1352753 (VCV001352753.6), dbSNP rs2145578233, ClinGen allele CA401240279.